The following is an entry in ClinVar:

NM_016604.4(KDM3B):c.24G>A (p.Pro8=)

Genes: KDM3B (lysine demethylase 3B; plus strand), LOC129994737 (ATAC-STARR-seq lymphoblastoid silent region 16394; plus strand). Cytogenetic location: 5q31.2.
Variant type: single nucleotide variant.
Coding change: c.24G>A on transcript NM_016604.4 (MANE Select); coding-DNA position 24, G replaced by A.
Protein change: p.Pro8=; no amino-acid change (proline 8 retained).
Molecular consequence: synonymous variant.
Genome position (GRCh38, 1-based): chr5:138,352,819, G>A. VCF-style: chr5-138352819-G-A. GRCh37 (hg19) VCF-style: chr5-137688508-G-A.
Identifiers: ClinVar variation 4992019 (VCV004992019.1).

ClinVar aggregate classification (germline): Likely benign (1 of 4 stars; one submission).

Conditions:
KDM3B-related disorder. Also called: KDM3B-related condition.

gnomAD v4.1: 9 of 1,329,842 alleles (0.00068%); highest among the groups gnomAD compares: African/African-American, 0.011%; no homozygotes.

Submission:

PreventionGenetics, part of Exact Sciences
Classification: Likely benign for KDM3B-related condition. Last evaluated: 2025-10-28. Review status: criteria provided, single submitter. Criteria: ACMG Guidelines, 2015. Collection method: clinical testing. Allele origin: germline.
Comment: This variant is classified as likely benign based on ACMG/AMP sequence variant interpretation guidelines (Richards et al. 2015 PMID: 25741868, with internal and published modifications).